The following is an entry in ClinVar:

ClinVar aggregate classification (germline): Uncertain significance. Review status: criteria provided, multiple submitters, no conflicts (2 of 4 stars). 2 submissions from 2 submitters: Uncertain significance (2). Last evaluated 2022-06-10.

Allele frequency attached by ClinVar (database versions not stated): gnomAD exomes 0.00001; gnomAD 0.00003; TOPMed 0.00003.
gnomAD v4.1: 17 of 1,614,016 alleles (0.0011%); highest among the groups gnomAD compares: East Asian, 0.0045%; no homozygotes.

Submissions (2):

Labcorp Genetics (formerly Invitae), Labcorp
Classification: Uncertain significance. Last evaluated: 2022-06-10. Review status: criteria provided, single submitter. Criteria: Invitae Variant Classification Sherloc (09022015). Collection method: clinical testing. Allele origin: germline.
Comment: In summary, the available evidence is currently insufficient to determine the role of this variant in disease. Therefore, it has been classified as a Variant of Uncertain Significance. Algorithms developed to predict the effect of missense changes on protein structure and function are either unavailable or do not agree on the potential impact of this missense change (SIFT: "Tolerated"; PolyPhen-2: "Probably Damaging"; Align-GVGD: "Class C0"). ClinVar contains an entry for this variant (Variation ID: 1311617). This missense change has been observed in individual(s) with neurodevelopmental disorder (PMID: 28191889). This variant is present in population databases (no rsID available, gnomAD 0.006%). This sequence change replaces proline, which is neutral and non-polar, with leucine, which is neutral and non-polar, at codon 3403 of the KMT2A protein (p.Pro3403Leu).

GeneDx
Classification: Uncertain significance. Last evaluated: 2020-01-07. Review status: criteria provided, single submitter. Criteria: GeneDx Variant Classification Process June 2021. Collection method: clinical testing. Allele origin: germline. Affected: yes.
Comment: In silico analysis, which includes protein predictors and evolutionary conservation, supports that this variant does not alter protein structure/function; Has not been previously published as pathogenic or benign to our knowledge; This variant is associated with the following publications: (PMID: 28191889)

Literature cited by the submitters: PubMed 28191889 (cited by Labcorp Genetics (formerly Invitae), Labcorp).

NM_001197104.2(KMT2A):c.10208C>T (p.Pro3403Leu)

Gene: KMT2A (lysine methyltransferase 2A; plus strand). Cytogenetic location: 11q23.3.
Variant type: single nucleotide variant.
Coding change: c.10208C>T on transcript NM_001197104.2 (MANE Select); coding-DNA position 10208, C replaced by T.
Protein change: p.Pro3403Leu; replaces proline 3403 with leucine.
Molecular consequence: missense variant.
Genome position (GRCh38, 1-based): chr11:118,506,100, C>T. VCF-style: chr11-118506100-C-T. GRCh37 (hg19) VCF-style: chr11-118376815-C-T.
Other names: c.10199C>T, p.Pro3400Leu (NM_005933.4); short protein forms P3400L, P3403L.
Identifiers: ClinVar variation 1311617 (VCV001311617.6), dbSNP rs942230098, ClinGen allele CA229530129.